The following is an entry in ClinVar:

NM_000051.4(ATM):c.6572G>T (p.Arg2191Ile)

Genes: ATM (ATM serine/threonine kinase; plus strand), C11orf65 (chromosome 11 open reading frame 65; minus strand). Cytogenetic location: 11q22.3.
Variant type: single nucleotide variant.
Coding change: c.6572G>T on transcript NM_000051.4 (MANE Select); coding-DNA position 6572, G replaced by T.
Protein change: p.Arg2191Ile; replaces arginine 2191 with isoleucine.
Molecular consequence: missense variant. On other transcripts: intron variant (2).
Genome position (GRCh38, 1-based): chr11:108,321,420, G>T. VCF-style: chr11-108321420-G-T. GRCh37 (hg19) VCF-style: chr11-108192147-G-T.
Other names: c.6572G>T, p.Arg2191Ile (NM_001351834.2); c.641-12349C>A (NM_001330368.2); c.*39-12349C>A (NM_001351110.2); short protein forms R2191I.
Identifiers: ClinVar variation 1754254 (VCV001754254.2), dbSNP rs1196814221, ClinGen allele CA382554453.

ClinVar aggregate classification (germline): Uncertain significance (1 of 4 stars; one submission).

Conditions:
Hereditary cancer-predisposing syndrome. Also called: Hereditary neoplastic syndrome; Neoplastic Syndromes, Hereditary; Tumor predisposition; Hereditary Cancer Syndrome. Identifiers: Orphanet 140162, MedGen C0027672, MeSH D009386, MONDO:0015356.

Allele frequency attached by ClinVar (database versions not stated): gnomAD exomes below 0.00001.
gnomAD v4.1: 1 of 1,614,042 alleles (0.000062%); no homozygotes.

Submission:

Ambry Genetics
Classification: Uncertain significance for Hereditary cancer-predisposing syndrome. Last evaluated: 2021-11-26. Review status: criteria provided, single submitter. Criteria: Ambry Variant Classification Scheme 2023. Collection method: clinical testing. Allele origin: germline.
Comment: The p.R2191I variant (also known as c.6572G>T), located in coding exon 44 of the ATM gene, results from a G to T substitution at nucleotide position 6572. The amino acid change results in arginine to isoleucine at codon 2191, an amino acid with similar properties. However, this change occurs in the last base pair of coding exon 44, which makes it likely to have some effect on normal mRNA splicing. This nucleotide position is well conserved in available vertebrate species. In silico splice site analysis predicts that this alteration may weaken the native splice donor site; however, direct evidence is insufficient at this time (Ambry internal data). This amino acid position is well conserved in available vertebrate species. In addition, as a missense substitution this alteration is predicted to be tolerated by in silico analysis. Since supporting evidence is limited at this time, the clinical significance of this alteration remains unclear.